The following is an entry in ClinVar:

ClinVar aggregate classification (germline): Uncertain significance. Review status: criteria provided, multiple submitters, no conflicts (2 of 4 stars). 2 submissions from 2 submitters: Uncertain significance (2). Last evaluated 2025-06-29.

Conditions:
Inborn genetic diseases. Identifiers: MedGen C0950123, MeSH D030342.

Allele frequency attached by ClinVar (database versions not stated): gnomAD exomes below 0.00001; TOPMed below 0.00001.
gnomAD v4.1: 1 of 1,613,992 alleles (0.000062%); highest among the groups gnomAD compares: Non-Finnish European, 0.000085%; no homozygotes.

Submissions (2):

Ambry Genetics
Classification: Uncertain significance for Inborn genetic diseases. Last evaluated: 2025-06-29. Review status: criteria provided, single submitter. Criteria: Ambry Variant Classification Scheme 2023. Collection method: clinical testing. Allele origin: germline.
Comment: The p.Y69C variant (also known as c.206A>G), located in coding exon 3 of the BUB1B gene, results from an A to G substitution at nucleotide position 206. The tyrosine at codon 69 is replaced by cysteine, an amino acid with highly dissimilar properties. This amino acid position is conserved. In addition, this alteration is predicted to be deleterious by in silico analysis. Since supporting evidence is limited at this time, the clinical significance of this alteration remains unclear.

Dasa
Classification: Uncertain significance. Last evaluated: 2025-05-09. Review status: criteria provided, single submitter. Criteria: DASA Assertion Criteria. Collection method: clinical testing. Allele origin: germline.
Comment: NM_001211.6(BUB1B):c.206A>G (p.Tyr69Cys) is a missense variant that results in the substitution of tyrosine with cysteine. This variant is rare in population databases. The currently available literature and clinical evidence are not sufficient to establish a definitive association between this variant and the reported condition. Therefore, this variant is classified as a variant of uncertain significance.

NM_001211.6(BUB1B):c.206A>G (p.Tyr69Cys)

Gene: BUB1B (BUB1 mitotic checkpoint serine/threonine kinase B; plus strand). Cytogenetic location: 15q15.1.
Variant type: single nucleotide variant.
Coding change: c.206A>G on transcript NM_001211.6 (MANE Select); coding-DNA position 206, A replaced by G.
Protein change: p.Tyr69Cys; replaces tyrosine 69 with cysteine.
Molecular consequence: missense variant.
Genome position (GRCh38, 1-based): chr15:40,170,088, A>G. VCF-style: chr15-40170088-A-G. GRCh37 (hg19) VCF-style: chr15-40462289-A-G.
Other names: short protein forms Y69C.
Identifiers: ClinVar variation 1785342 (VCV001785342.5), dbSNP rs2037144381, ClinGen allele CA391678429.
Genomic context (GRCh38, chr15:40,170,088, plus strand): 5'-TTGCATATGCTAACTTTTTCTGTTTACATTTCAGGGCATTTGAATATGAAATTCGATTTT[A>G]CACTGGAAATGACCCTCTGGATGTTTGGGATAGGTGGGTCTTTTTATTTCACAAGGACAA-3'
Protein context (NP_001202.5, residues 59-79): KRAFEYEIRF[Tyr69Cys]TGNDPLDVWD